The following is an entry in ClinVar:

NM_007294.4(BRCA1):c.3368A>T (p.Asp1123Val)

Genes: BRCA1 (BRCA1 DNA repair associated; minus strand), LOC126862571 (BRD4-independent group 4 enhancer GRCh37_chr17:41243136-41244335; plus strand). Cytogenetic location: 17q21.31.
Variant type: single nucleotide variant.
Coding change: c.3368A>T on transcript NM_007294.4 (MANE Select); coding-DNA position 3368, A replaced by T.
Protein change: p.Asp1123Val; replaces aspartic acid 1123 with valine.
Molecular consequence: missense variant. On other transcripts: intron variant (137).
Genome position (GRCh38, 1-based): chr17:43,092,163, T>A on the plus strand (A>T on the coding strand, the complement: BRCA1 is on the minus strand). VCF-style: chr17-43092163-T-A. GRCh37 (hg19) VCF-style: chr17-41244180-T-A.
Other names: c.3155A>T, p.Asp1052Val (NM_001407894.1, NM_001407895.1, NM_001407896.1 and 9 more transcripts); c.3158A>T, p.Asp1053Val (NM_001407900.1, NM_001407902.1, NM_001407904.1 and 13 more transcripts); c.3245A>T, p.Asp1082Val (NM_001407919.1, NM_001407937.1, NM_001407938.1 and 19 more transcripts); c.3104A>T, p.Asp1035Val (NM_001407920.1, NM_001407921.1, NM_001407922.1 and 9 more transcripts); c.3101A>T, p.Asp1034Val (NM_001407930.1, NM_001407931.1, NM_001407932.1 and 2 more transcripts); c.3242A>T, p.Asp1081Val (NM_001407940.1, NM_001407941.1, NM_001407649.1 and 11 more transcripts); c.3227A>T, p.Asp1076Val (NM_001407942.1, NM_001407944.1, NM_001407945.1 and 29 more transcripts); c.3224A>T, p.Asp1075Val (NM_001407943.1, NM_001407964.1, NM_001407740.1 and 20 more transcripts); and 41 more; short protein forms D1123V, D1076V, D1052V, D1056V, D1075V, D1096V, D996V, D1034V.
Identifiers: ClinVar variation 531304 (VCV000531304.14), dbSNP rs1555587851, ClinGen allele CA10595243.

ClinVar aggregate classification (germline): Conflicting classifications of pathogenicity. Review status: criteria provided, conflicting classifications (1 of 4 stars). 4 submissions from 4 submitters: Uncertain significance (3); Likely benign (1). Last evaluated 2024-07-11.

Conditions:
Hereditary cancer-predisposing syndrome. Also called: Hereditary neoplastic syndrome; Neoplastic Syndromes, Hereditary; Tumor predisposition; Hereditary Cancer Syndrome. Identifiers: Orphanet 140162, MedGen C0027672, MeSH D009386, MONDO:0015356.
Hereditary breast ovarian cancer syndrome. Also called: Hereditary breast and ovarian cancer syndrome (HBOC); BRCA1- and BRCA2-Associated Hereditary Breast and Ovarian Cancer; Hereditary breast and ovarian cancer syndrome; Breast and ovarian cancer; Hereditary breast and ovarian cancer; Hereditary breast and/or ovarian cancer syndrome. Identifiers: Orphanet 145, MedGen C0677776, MeSH D061325, MONDO:0003582. Disease mechanism: loss of function.

Submissions (4):

Ambry Genetics
Classification: Uncertain significance for Hereditary cancer-predisposing syndrome. Last evaluated: 2024-07-11. Review status: criteria provided, single submitter. Criteria: Ambry Variant Classification Scheme 2023. Collection method: clinical testing. Allele origin: germline.
Comment: The p.D1123V variant (also known as c.3368A>T), located in coding exon 9 of the BRCA1 gene, results from an A to T substitution at nucleotide position 3368. The aspartic acid at codon 1123 is replaced by valine, an amino acid with highly dissimilar properties. This amino acid position is not well conserved in available vertebrate species. In addition, the in silico prediction for this alteration is inconclusive. Based on the available evidence, the clinical significance of this variant remains unclear.

University of Washington Department of Laboratory Medicine, University of Washington
Classification: Likely benign for Hereditary cancer-predisposing syndrome. Last evaluated: 2023-03-23. Review status: criteria provided, single submitter. Criteria: Dines et al. (Genet Med. 2020). Collection method: curation. Allele origin: germline.
Comment: Missense variant in a coldspot region where missense variants are very unlikely to be pathogenic (PMID:31911673).

BRCA1 coldspot (exon 11 using historical exon numbering). Reclassification based on statistical prior probability

Labcorp Genetics (formerly Invitae), Labcorp
Classification: Uncertain significance for Hereditary breast ovarian cancer syndrome. Last evaluated: 2020-03-29. Review status: criteria provided, single submitter. Criteria: Invitae Variant Classification Sherloc (09022015). Collection method: clinical testing. Allele origin: germline.
Comment: In summary, the available evidence is currently insufficient to determine the role of this variant in disease. Therefore, it has been classified as a Variant of Uncertain Significance. Algorithms developed to predict the effect of missense changes on protein structure and function do not agree on the potential impact of this missense change (SIFT: "Tolerated"; PolyPhen-2: "Possibly Damaging"; Align-GVGD: "Class C0"). This variant has not been reported in the literature in individuals with BRCA1-related disease. This variant is not present in population databases (ExAC no frequency). This sequence change replaces aspartic acid with valine at codon 1123 of the BRCA1 protein (p.Asp1123Val). The aspartic acid residue is moderately conserved and there is a large physicochemical difference between aspartic acid and valine.

Women's Health and Genetics/Laboratory Corporation of America, LabCorp
Classification: Uncertain significance. Last evaluated: 2019-10-04. Review status: criteria provided, single submitter. Criteria: LabCorp Variant Classification Summary - May 2015. Collection method: clinical testing. Allele origin: germline.
Comment: Variant summary: BRCA1 c.3368A>T (p.Asp1123Val) results in a non-conservative amino acid change in the encoded protein sequence. Four of five in-silico tools predict a damaging effect of the variant on protein function. The variant was absent in 250340 control chromosomes (gnomAD). The available data on variant occurrences in the general population are insufficient to allow any conclusion about variant significance. To our knowledge, no occurrence of c.3368A>T in individuals affected with Hereditary Breast and Ovarian Cancer and no experimental evidence demonstrating its impact on protein function have been reported. One clinical diagnostic laboratory has submitted clinical-significance assessments for this variant to ClinVar after 2014 without evidence for independent evaluation, and classified the variant as uncertain significance. Based on the evidence outlined above, the variant was classified as uncertain significance.